The following is an entry in ClinVar:

ClinVar aggregate classification (germline): Uncertain significance. Review status: criteria provided, multiple submitters, no conflicts (2 of 4 stars). 2 submissions from 2 submitters: Uncertain significance (2). Last evaluated 2023-03-23.

Conditions:
Developmental and epileptic encephalopathy, 36 (DEE36). Also called: Epileptic encephalopathy, early infantile, 36; ALG13-CDG; Congenital disorder of glycosylation, type Is. Identifiers: Orphanet 324422, MedGen C4317295, MONDO:0010472, OMIM 300884.

gnomAD v4.1: 18 of 1,210,419 alleles (0.0015%); highest among the groups gnomAD compares: Non-Finnish European, 0.002%; no homozygotes.

Submissions (2):

Oxford Medical Genetics Laboratories, Oxford University Hospitals NHS Foundation Trust
Classification: Uncertain significance for Developmental and epileptic encephalopathy, 36. Last evaluated: 2023-03-23. Review status: criteria provided, single submitter. Criteria: ACMG Guidelines, 2015. Collection method: clinical testing. Allele origin: germline. Affected: yes. Observed: 1 homozygote.

Labcorp Genetics (formerly Invitae), Labcorp
Classification: Uncertain significance for Developmental and epileptic encephalopathy, 36. Last evaluated: 2022-03-12. Review status: criteria provided, single submitter. Criteria: Invitae Variant Classification Sherloc (09022015). Collection method: clinical testing. Allele origin: germline.
Comment: This sequence change replaces serine, which is neutral and polar, with asparagine, which is neutral and polar, at codon 875 of the ALG13 protein (p.Ser875Asn). This variant is present in population databases (no rsID available, gnomAD 0.001%). This variant has not been reported in the literature in individuals affected with ALG13-related conditions. ClinVar contains an entry for this variant (Variation ID: 1036132). Algorithms developed to predict the effect of missense changes on protein structure and function output the following: SIFT: "Tolerated"; PolyPhen-2: "Benign"; Align-GVGD: "Class C0". The asparagine amino acid residue is found in multiple mammalian species, which suggests that this missense change does not adversely affect protein function. In summary, the available evidence is currently insufficient to determine the role of this variant in disease. Therefore, it has been classified as a Variant of Uncertain Significance.

NM_001099922.3(ALG13):c.2624G>A (p.Ser875Asn)

Gene: ALG13 (ALG13 UDP-N-acetylglucosaminyltransferase subunit; plus strand). Cytogenetic location: Xq23.
Variant type: single nucleotide variant.
Coding change: c.2624G>A on transcript NM_001099922.3 (MANE Select); coding-DNA position 2624, G replaced by A.
Protein change: p.Ser875Asn; replaces serine 875 with asparagine.
Molecular consequence: missense variant. On other transcripts: non-coding transcript variant (1).
Genome position (GRCh38, 1-based): chrX:111,736,808, G>A. VCF-style: chrX-111736808-G-A. GRCh37 (hg19) VCF-style: chrX-110980036-G-A.
Other names: c.2312G>A, p.Ser771Asn (NM_001257230.2, NM_001257234.2, NM_001257237.2); c.2390G>A, p.Ser797Asn (NM_001257231.2); c.2624G>A, p.Ser875Asn (NM_001324292.2); c.2138G>A, p.Ser713Asn (NM_001324293.1); short protein forms S797N, S875N, S713N, S771N.
Identifiers: ClinVar variation 1036132 (VCV001036132.27), dbSNP rs757522953, ClinGen allele CA414254495.
Genomic context (GRCh38, chrX:111,736,808, plus strand): 5'-GTGCCAATAATGTTCCAGCTCCAGTCTTATCTAACGGTGCAGCGGCTAATCAAGCTATTA[G>A]TACCACTTCAGTTTCCTCACAGAATGCTATACAGCCTCTCTTTGTATCTCCACCTACACA-3'
Protein context (NP_001093392.1, residues 865-885): SNGAAANQAI[Ser875Asn]TTSVSSQNAI